The following is an entry in ClinVar:

ClinVar aggregate classification (germline): Uncertain significance. Review status: criteria provided, multiple submitters, no conflicts (2 of 4 stars). 2 submissions from 2 submitters: Uncertain significance (2). Last evaluated 2025-04-02.

Conditions:
Cardiovascular phenotype. Identifiers: MedGen CN230736.

Submissions (2):

Ambry Genetics
Classification: Uncertain significance for Cardiovascular phenotype. Last evaluated: 2025-04-02. Review status: criteria provided, single submitter. Criteria: Ambry Variant Classification Scheme 2023. Collection method: clinical testing. Allele origin: germline.
Comment: The c.1445_1446delAA variant, located in coding exon 10 of the NEXN gene, results from a deletion of two nucleotides at nucleotide positions 1445 to 1446, causing a translational frameshift with a predicted alternate stop codon (p.K482Rfs*5). This alteration is expected to result in loss of function by premature protein truncation or nonsense-mediated mRNA decay. Although biallelic loss of function of NEXN has been associated with autosomal recessive NEXN-related cardiomyopathy, haploinsufficiency of NEXN has not been established as a mechanism of disease for autosomal dominant NEXN-related cardiomyopathy. Based on the supporting evidence, this variant is expected to be causative of autosomal recessive NEXN-related cardiomyopathy when present along with a second pathogenic variant on the other allele; however, its clinical significance for autosomal dominant NEXN-related cardiomyopathy is unclear.

GeneDx
Classification: Uncertain significance. Last evaluated: 2021-07-09. Review status: criteria provided, single submitter. Criteria: GeneDx Variant Classification Process June 2021. Collection method: clinical testing. Allele origin: germline. Affected: yes.
Comment: Has not been previously published as pathogenic or benign to our knowledge; Not observed at significant frequency in large population cohorts (Lek et al., 2016); Frameshift variant predicted to result in protein truncation or nonsense mediated decay in a gene for which loss-of-function is not a known mechanism of disease; This variant is associated with the following publications: (PMID: 27535533)

NM_144573.4(NEXN):c.1445_1446del (p.Lys482fs)

Gene: NEXN (nexilin F-actin binding protein; plus strand). Cytogenetic location: 1p31.1.
Variant type: Deletion.
Coding change: c.1445_1446del on transcript NM_144573.4 (MANE Select); coding-DNA positions 1445 to 1446, 2 bases deleted (AA; older notation c.1445_1446delAA).
Protein change: p.Lys482fs; shifts the reading frame from lysine 482.
Molecular consequence: frameshift variant.
Genome position (GRCh38, 1-based): chr1:77,936,016-77,936,017, AA deleted; deleting any 2 consecutive bases within chr1:77,936,015-77,936,017 gives the same sequence; the c. name uses the placement nearest the transcript's 3' end. VCF-style (leftmost placement, unchanged base first): chr1-77936014-TAA-T. GRCh37 (hg19) VCF-style: chr1-78401699-TAA-T.
Other names: c.1253_1254delAA (NM_001172309.1); c.1253_1254del, p.Lys418fs (NM_001172309.2); c.1445_1446delAA (NM_144573.3); short protein forms K418fs, K482fs.
Identifiers: ClinVar variation 201941 (VCV000201941.5), dbSNP rs794729092, ClinGen allele CA335459.